The following is an entry in ClinVar:

ClinVar aggregate classification (germline): Uncertain significance (1 of 4 stars; one submission).

Submission:

GeneDx
Classification: Uncertain significance. Last evaluated: 2026-03-03. Review status: criteria provided, single submitter. Criteria: GeneDx Variant Classification Process June 2021. Collection method: clinical testing. Allele origin: germline.
Comment: Not observed at significant frequency in large population cohorts (gnomAD); Frameshift variant predicted to result in protein truncation or nonsense mediated decay in a gene or region of a gene for which loss of function is not a well-established mechanism of disease; Has not been previously published as pathogenic or benign to our knowledge

NM_021072.4(HCN1):c.977dup (p.Pro327fs)

Gene: HCN1 (hyperpolarization activated cyclic nucleotide gated potassium channel 1; minus strand). Cytogenetic location: 5p12.
Variant type: Duplication.
Coding change: c.977dup on transcript NM_021072.4 (MANE Select); coding-DNA position 977, one base duplicated (C; older notation c.977dupC).
Protein change: p.Pro327fs; shifts the reading frame from proline 327.
Molecular consequence: frameshift variant.
Genome position (GRCh38, 1-based): chr5:45,461,880, G duplicated on the plus strand (C on the coding strand, the reverse complement: HCN1 is on the minus strand); the first of 3 consecutive G bases (chr5:45,461,880-45,461,882); duplicating any one gives the same sequence. VCF-style (leftmost placement, unchanged base first): chr5-45461879-T-TG. GRCh37 (hg19) VCF-style: chr5-45461981-T-TG.
Other names: short protein forms P327fs.
Identifiers: ClinVar variation 5008508 (VCV005008508.1).